The following is an entry in ClinVar:

ClinVar aggregate classification (germline): Conflicting classifications of pathogenicity. Review status: criteria provided, conflicting classifications (1 of 4 stars). 2 submissions from 2 submitters: Uncertain significance (1); Likely benign (1). Last evaluated 2025-04-02.

Conditions:
Mitochondrial complex II deficiency, nuclear type 1. Also called: SUCCINATE CoQ REDUCTASE DEFICIENCY. Identifiers: Orphanet 3208, MedGen C5700310, MONDO:0100294, OMIM 252011.
Pheochromocytoma/paraganglioma syndrome 5. Also called: Paragangliomas 5; SDHA-Related Hereditary Paraganglioma-Pheochromocytoma Syndrome. Identifiers: Orphanet 29072, MedGen C3279992, MONDO:0013602, OMIM 614165.
Hereditary cancer-predisposing syndrome. Also called: Hereditary neoplastic syndrome; Neoplastic Syndromes, Hereditary; Tumor predisposition; Hereditary Cancer Syndrome. Identifiers: Orphanet 140162, MedGen C0027672, MeSH D009386, MONDO:0015356.

Submissions (2):

Ambry Genetics
Classification: Likely benign for Hereditary cancer-predisposing syndrome. Last evaluated: 2025-04-02. Review status: criteria provided, single submitter. Criteria: Ambry Variant Classification Scheme 2023. Collection method: clinical testing. Allele origin: germline.

Labcorp Genetics (formerly Invitae), Labcorp
Classification: Uncertain significance for Pheochromocytoma/paraganglioma syndrome 5; Mitochondrial complex II deficiency, nuclear type 1. Last evaluated: 2024-12-23. Review status: criteria provided, single submitter. Criteria: Invitae Variant Classification Sherloc (09022015). Collection method: clinical testing. Allele origin: germline.
Comment: This sequence change replaces arginine, which is basic and polar, with lysine, which is basic and polar, at codon 423 of the SDHA protein (p.Arg423Lys). This variant is not present in population databases (gnomAD no frequency). This variant has not been reported in the literature in individuals affected with SDHA-related conditions. Invitae Evidence Modeling of protein sequence and biophysical properties (such as structural, functional, and spatial information, amino acid conservation, physicochemical variation, residue mobility, and thermodynamic stability) indicates that this missense variant is not expected to disrupt SDHA protein function with a negative predictive value of 95%. In summary, the available evidence is currently insufficient to determine the role of this variant in disease. Therefore, it has been classified as a Variant of Uncertain Significance.

NM_004168.4(SDHA):c.1268G>A (p.Arg423Lys)

Gene: SDHA (succinate dehydrogenase complex flavoprotein subunit A; plus strand). Cytogenetic location: 5p15.33.
Variant type: single nucleotide variant.
Coding change: c.1268G>A on transcript NM_004168.4 (MANE Select); coding-DNA position 1268, G replaced by A.
Protein change: p.Arg423Lys; replaces arginine 423 with lysine.
Molecular consequence: missense variant.
Genome position (GRCh38, 1-based): chr5:236,435, G>A. VCF-style: chr5-236435-G-A. GRCh37 (hg19) VCF-style: chr5-236550-G-A.
Other names: c.1124G>A, p.Arg375Lys (NM_001294332.2); c.1268G>A, p.Arg423Lys (NM_001330758.2); c.1268G>A (NM_004168.2); short protein forms R375K, R423K.
Identifiers: ClinVar variation 3751994 (VCV003751994.3).